The following is an entry in ClinVar:

ClinVar aggregate classification (germline): Uncertain significance (1 of 4 stars; one submission).

Allele frequency attached by ClinVar (database versions not stated): gnomAD exomes below 0.00001; gnomAD 0.00001.
gnomAD v4.1: 3 of 1,614,034 alleles (0.00019%); highest among the groups gnomAD compares: East Asian, 0.0045%; no homozygotes.

Submission:

Labcorp Genetics (formerly Invitae), Labcorp
Classification: Uncertain significance. Last evaluated: 2023-10-23. Review status: criteria provided, single submitter. Criteria: Invitae Variant Classification Sherloc (09022015). Collection method: clinical testing. Allele origin: germline.
Comment: This sequence change replaces serine, which is neutral and polar, with leucine, which is neutral and non-polar, at codon 659 of the COL10A1 protein (p.Ser659Leu). This variant is present in population databases (no rsID available, gnomAD 0.006%). This variant has not been reported in the literature in individuals affected with COL10A1-related conditions. ClinVar contains an entry for this variant (Variation ID: 2419464). Advanced modeling of protein sequence and biophysical properties (such as structural, functional, and spatial information, amino acid conservation, physicochemical variation, residue mobility, and thermodynamic stability) performed at Invitae indicates that this missense variant is not expected to disrupt COL10A1 protein function with a negative predictive value of 80%. In summary, the available evidence is currently insufficient to determine the role of this variant in disease. Therefore, it has been classified as a Variant of Uncertain Significance.

NM_000493.4(COL10A1):c.1976C>T (p.Ser659Leu)

Genes: COL10A1 (collagen type X alpha 1 chain; minus strand), NT5DC1 (5'-nucleotidase domain containing 1; plus strand). Cytogenetic location: 6q22.1.
Variant type: single nucleotide variant.
Coding change: c.1976C>T on transcript NM_000493.4 (MANE Select); coding-DNA position 1976, C replaced by T.
Protein change: p.Ser659Leu; replaces serine 659 with leucine.
Molecular consequence: missense variant. On other transcripts: intron variant (1).
Genome position (GRCh38, 1-based): chr6:116,120,140, G>A on the plus strand (C>T on the coding strand, the complement: COL10A1 is on the minus strand). VCF-style: chr6-116120140-G-A. GRCh37 (hg19) VCF-style: chr6-116441303-G-A.
Other names: c.1976C>T, p.Ser659Leu (NM_001424106.1, NM_001424107.1); c.529+2195G>A (NM_152729.3); short protein forms S659L.
Identifiers: ClinVar variation 2419464 (VCV002419464.7), dbSNP rs1340952961, ClinGen allele CA365386277.